The following is an entry in ClinVar:

NM_018249.6(CDK5RAP2):c.2003A>G (p.Tyr668Cys)

Gene: CDK5RAP2 (CDK5 regulatory subunit associated protein 2; minus strand). Cytogenetic location: 9q33.2.
Variant type: single nucleotide variant.
Coding change: c.2003A>G on transcript NM_018249.6 (MANE Select); coding-DNA position 2003, A replaced by G.
Protein change: p.Tyr668Cys; replaces tyrosine 668 with cysteine.
Molecular consequence: missense variant. On other transcripts: non-coding transcript variant (5).
Genome position (GRCh38, 1-based): chr9:120,467,963, T>C on the plus strand (A>G on the coding strand, the complement: CDK5RAP2 is on the minus strand). VCF-style: chr9-120467963-T-C. GRCh37 (hg19) VCF-style: chr9-123230241-T-C.
Other names: c.2003A>G, p.Tyr668Cys (NM_001011649.3); c.2000A>G, p.Tyr667Cys (NM_001272039.2); short protein forms Y668C, Y667C.
Identifiers: ClinVar variation 210634 (VCV000210634.62), dbSNP rs137966123, ClinGen allele CA248828.

ClinVar aggregate classification (germline): Conflicting classifications of pathogenicity. Review status: criteria provided, conflicting classifications (1 of 4 stars). 9 submissions from 9 submitters: Uncertain significance (6); Likely benign (2). 1 of the submissions does not count toward it. Last evaluated 2026-07-01.

Conditions:
CDK5RAP2-related disorder. Also called: CDK5RAP2-related condition.
Inborn genetic diseases. Identifiers: MedGen C0950123, MeSH D030342.
Microcephaly 3, primary, autosomal recessive. Identifiers: Orphanet 2512, MedGen C1858108, MONDO:0011488, OMIM 604804.

Allele frequency attached by ClinVar (database versions not stated): ExAC 0.00027; TOPMed 0.00028; gnomAD 0.00029; gnomAD exomes 0.00033; ESP Exome Variant Server 0.00046.
gnomAD v4.1: 530 of 1,613,996 alleles (0.033%); highest among the groups gnomAD compares: Non-Finnish European, 0.034%; 1 homozygote.

Submissions (9):

CeGaT Center for Human Genetics Tuebingen
Classification: Likely benign. Last evaluated: 2026-07-01. Review status: criteria provided, single submitter. Criteria: CeGaT Center For Human Genetics Tuebingen Variant Classification Criteria Version 2. Collection method: clinical testing. Allele origin: germline. Affected: yes. Observed: 7 variant alleles.
Comment: CDK5RAP2: BP4

Labcorp Genetics (formerly Invitae), Labcorp
Classification: Likely benign. Last evaluated: 2026-01-13. Review status: criteria provided, single submitter. Criteria: Invitae Variant Classification Sherloc (09022015). Collection method: clinical testing. Allele origin: germline.

GeneDx
Classification: Uncertain significance. Last evaluated: 2025-07-15. Review status: criteria provided, single submitter. Criteria: GeneDx Variant Classification Process June 2021. Collection method: clinical testing. Allele origin: germline. Affected: yes.
Comment: Identified in a patient with primary microcephaly; this individual also harbors a variant in a different gene (PMID: 31696992); In silico analysis supports that this missense variant has a deleterious effect on protein structure/function; This variant is associated with the following publications: (PMID: Sirokha2025[CaseReport], 31696992)

Ambry Genetics
Classification: Uncertain significance for Inborn genetic diseases. Last evaluated: 2021-05-16. Review status: criteria provided, single submitter. Criteria: Ambry Variant Classification Scheme 2023. Collection method: clinical testing. Allele origin: germline.

Illumina Laboratory Services, Illumina
Classification: Uncertain significance for Microcephaly 3, primary, autosomal recessive. Last evaluated: 2018-01-13. Review status: criteria provided, single submitter. Criteria: ICSL Variant Classification Criteria 13 December 2019. Collection method: clinical testing. Allele origin: germline.

Genetic Services Laboratory, University of Chicago
Classification: Uncertain significance. Last evaluated: 2015-07-31. Review status: criteria provided, single submitter. Criteria: ACMG Guidelines, 2015. Collection method: clinical testing. Allele origin: germline.

Genomic Diagnostic Laboratory, Division of Genomic Diagnostics, Children's Hospital of Philadelphia
Classification: Uncertain significance. Last evaluated: 2015-06-11. Review status: criteria provided, single submitter. Criteria: DGD Variant Analysis Guidelines. Collection method: clinical testing. Allele origin: unknown.

Child Neurology Department, Hôpital Universitaire de Bruxelles
Classification: Uncertain significance for Microcephaly 3, primary, autosomal recessive. Review status: criteria provided, single submitter. Criteria: ACMG Guidelines, 2015. Collection method: clinical testing. Allele origin: paternal. Affected: yes.

PreventionGenetics, part of Exact Sciences
Classification: Likely benign for CDK5RAP2-related condition. Last evaluated: 2022-09-30. Review status: no assertion criteria provided. Collection method: clinical testing. Allele origin: germline. Not counted in ClinVar's aggregate classification.
Comment: This variant is classified as likely benign based on ACMG/AMP sequence variant interpretation guidelines (Richards et al. 2015 PMID: 25741868, with internal and published modifications).